The following is an entry in ClinVar:

NM_001374736.1(DST):c.3856A>G (p.Ile1286Val)

Gene: DST (dystonin; minus strand). Cytogenetic location: 6p12.1.
Variant type: single nucleotide variant.
Coding change: c.3856A>G on transcript NM_001374736.1 (MANE Select); coding-DNA position 3856, A replaced by G.
Protein change: p.Ile1286Val; replaces isoleucine 1286 with valine.
Molecular consequence: missense variant.
Genome position (GRCh38, 1-based): chr6:56,631,990, T>C on the plus strand (A>G on the coding strand, the complement: DST is on the minus strand). VCF-style: chr6-56631990-T-C. GRCh37 (hg19) VCF-style: chr6-56496788-T-C.
Other names: c.3757A>G, p.Ile1253Val (NM_001144769.5); c.3343A>G, p.Ile1115Val (NM_001144770.2); c.3856A>G, p.Ile1286Val (NM_001374722.1); c.3223A>G, p.Ile1075Val (NM_001374729.1, NM_001374730.1, NM_001386100.1 and 1 more transcripts); c.3883A>G, p.Ile1295Val (NM_001374734.1); c.2245A>G, p.Ile749Val (NM_001723.7, NM_015548.5); short protein forms I1075V, I1115V, I1253V, I1286V, I1295V, I749V.
Identifiers: ClinVar variation 1062523 (VCV001062523.6), dbSNP rs752523723, ClinGen allele CA3871042.

ClinVar aggregate classification (germline): Uncertain significance (1 of 4 stars; one submission).

Conditions:
Hereditary sensory and autonomic neuropathy type 6. Also called: HSAN VI; Neuropathy, hereditary sensory and autonomic, type VI. Identifiers: Orphanet 314381, MedGen C3539003, MONDO:0013839, OMIM 614653.
Epidermolysis bullosa simplex 3, localized or generalized intermediate, with BP230 deficiency (EBS3). Also called: Epidermolysis bullosa simplex due to BP230 deficiency; Epidermolysis bullosa simplex, autosomal recessive 2. Identifiers: Orphanet 412181, MedGen C3809470, MONDO:0014180, OMIM 615425.

Allele frequency attached by ClinVar (database versions not stated): gnomAD exomes 0.00001 and 0.00003; ExAC 0.00002; gnomAD 0.00002 and 0.00003; TOPMed 0.00003.
gnomAD v4.1: 19 of 1,613,672 alleles (0.0012%); highest among the groups gnomAD compares: East Asian, 0.013%; no homozygotes.

Submission:

Labcorp Genetics (formerly Invitae), Labcorp
Classification: Uncertain significance for Epidermolysis bullosa simplex 3, localized or generalized intermediate, with BP230 deficiency; Hereditary sensory and autonomic neuropathy type 6. Last evaluated: 2021-08-30. Review status: criteria provided, single submitter. Criteria: Invitae Variant Classification Sherloc (09022015). Collection method: clinical testing. Allele origin: germline.
Comment: This sequence change replaces isoleucine with valine at codon 749 of the DST protein (p.Ile749Val). The isoleucine residue is highly conserved and there is a small physicochemical difference between isoleucine and valine. This variant is present in population databases (rs752523723, ExAC 0.01%). This variant has not been reported in the literature in individuals affected with DST-related conditions. Algorithms developed to predict the effect of missense changes on protein structure and function output the following: SIFT: "Tolerated"; PolyPhen-2: "Benign"; Align-GVGD: "Class C15". The valine amino acid residue is found in multiple mammalian species, which suggests that this missense change does not adversely affect protein function. In summary, the available evidence is currently insufficient to determine the role of this variant in disease. Therefore, it has been classified as a Variant of Uncertain Significance.